The following is an entry in ClinVar:

ClinVar aggregate classification (germline): Likely pathogenic (0 of 4 stars; one submission).

Conditions:
Intellectual developmental disorder, autosomal dominant 42. Also called: GNB1 Encephalopathy; Intellectual disability, autosomal dominant 42; Global developmental delay-neuro-ophthalmological abnormalities-seizures-intellectual disability syndrome. Identifiers: Orphanet 488613, MedGen C4310774, MONDO:0014855, OMIM 616973.

Submission:

The Raphael Recanati Genetics Institute, Rabin Medical Center
Classification: Likely pathogenic for Intellectual developmental disorder, autosomal dominant 42. Last evaluated: 2018-09-13. Review status: no assertion criteria provided. Collection method: clinical testing. Allele origin: de novo. Affected: yes. Observed: 1 variant allele.
Comment: AD de novo

Literature cited by the submitters: PubMed 30194818.

NM_002074.5(GNB1):c.158G>A (p.Gly53Glu)

Gene: GNB1 (G protein subunit beta 1; minus strand). Cytogenetic location: 1p36.33.
Variant type: single nucleotide variant.
Coding change: c.158G>A on transcript NM_002074.5 (MANE Select); coding-DNA position 158, G replaced by A.
Protein change: p.Gly53Glu; replaces glycine 53 with glutamic acid.
Molecular consequence: missense variant. On other transcripts: intron variant (1).
Genome position (GRCh38, 1-based): chr1:1,815,801, C>T on the plus strand (G>A on the coding strand, the complement: GNB1 is on the minus strand). VCF-style: chr1-1815801-C-T. GRCh37 (hg19) VCF-style: chr1-1747240-C-T.
Other names: c.158G>A, p.Gly53Glu (NM_001282539.2); c.-97-9263G>A (NM_001282538.2); short protein forms G53E.
Identifiers: ClinVar variation 617622 (VCV000617622.2), dbSNP rs1557898800, ClinGen allele CA337919592.